The following is an entry in ClinVar:

ClinVar aggregate classification (germline): Pathogenic (1 of 4 stars; one submission).

Conditions:
Primary ciliary dyskinesia. Also called: Ciliary dyskinesia. Identifiers: Orphanet 244, MedGen C0008780, MONDO:0016575, HP:0012265.

Submission:

Labcorp Genetics (formerly Invitae), Labcorp
Classification: Pathogenic for Primary ciliary dyskinesia. Last evaluated: 2023-06-29. Review status: criteria provided, single submitter. Criteria: Invitae Variant Classification Sherloc (09022015). Collection method: clinical testing. Allele origin: germline.
Comment: For these reasons, this variant has been classified as Pathogenic. This variant has not been reported in the literature in individuals affected with CCDC39-related conditions. This variant is not present in population databases (gnomAD no frequency). This sequence change creates a premature translational stop signal (p.Lys336*) in the CCDC39 gene. It is expected to result in an absent or disrupted protein product. Loss-of-function variants in CCDC39 are known to be pathogenic (PMID: 21131972, 23255504).

Literature cited by the submitters: PubMed 21131972; PubMed 23255504.

NM_181426.2(CCDC39):c.1006A>T (p.Lys336Ter)

Gene: CCDC39 (coiled-coil domain 39 molecular ruler complex subunit; minus strand). Cytogenetic location: 3q26.33.
Variant type: single nucleotide variant.
Coding change: c.1006A>T on transcript NM_181426.2 (MANE Select); coding-DNA position 1006, A replaced by T.
Protein change: p.Lys336Ter; replaces lysine 336 with a stop codon.
Molecular consequence: nonsense.
Genome position (GRCh38, 1-based): chr3:180,652,191, T>A on the plus strand (A>T on the coding strand, the complement: CCDC39 is on the minus strand). VCF-style: chr3-180652191-T-A. GRCh37 (hg19) VCF-style: chr3-180369979-T-A.
Other names: short protein forms K336*.
Identifiers: ClinVar variation 2732452 (VCV002732452.3), dbSNP rs2473814484, ClinGen allele CA355299313.
Genomic context (GRCh38, chr3:180,652,191, plus strand): 5'-TCATAAACATATTTAGATAGTTTTTTTCTTACCTTGCTGTTTCTTCATGAATGTCCTTCT[T>A]TATCTTGGAAATATTTTTCCTCAGAGCTTCTAAATCACTGGAAGTTCTATTCACAGTGGC-3'